The following is an entry in ClinVar:

NM_003482.4(KMT2D):c.3509C>T (p.Pro1170Leu)

Genes: KMT2D (lysine methyltransferase 2D; minus strand), LOC126861520 (CDK7 strongly-dependent group 2 enhancer GRCh37_chr12:49442744-49443943; plus strand). Cytogenetic location: 12q13.12.
Variant type: single nucleotide variant.
Coding change: c.3509C>T on transcript NM_003482.4 (MANE Select); coding-DNA position 3509, C replaced by T.
Protein change: p.Pro1170Leu; replaces proline 1170 with leucine.
Molecular consequence: missense variant.
Genome position (GRCh38, 1-based): chr12:49,050,079, G>A on the plus strand (C>T on the coding strand, the complement: KMT2D is on the minus strand). VCF-style: chr12-49050079-G-A. GRCh37 (hg19) VCF-style: chr12-49443862-G-A.
Other names: short protein forms P1170L.
Identifiers: ClinVar variation 2787369 (VCV002787369.4), dbSNP rs1319209672, ClinGen allele CA384656523.
Genomic context (GRCh38, chr12:49,050,079, plus strand): 5'-GCACGTGGCTCTTCCTGTTCTTCACATGGTGAGCCCTGCCCTGCTGTCTGCTTGCATTCG[G>A]GGTAGACCTCCATAGGGGTCACAGGGGCCAGCTCCTCGGGGTCCAGGAGCACAGGGGAGC-3'
Protein context (NP_003473.3, residues 1160-1180): LAPVTPMEVY[Pro1170Leu]ECKQTAGQGS

ClinVar aggregate classification (germline): Uncertain significance. Review status: criteria provided, multiple submitters, no conflicts (2 of 4 stars). 2 submissions from 2 submitters: Uncertain significance (2). Last evaluated 2025-11-21.

Conditions:
KMT2D-related disorder. Also called: KMT2D-Related Disorders.
Kabuki syndrome. Also called: NIIKAWA-KUROKI SYNDROME; Kabuki make-up syndrome. Identifiers: Orphanet 2322, MedGen C0796004, MONDO:0016512.

gnomAD v4.1: 1 of 1,613,748 alleles (0.000062%); highest among the groups gnomAD compares: Non-Finnish European, 0.000085%; no homozygotes.

Submissions (2):

PreventionGenetics, part of Exact Sciences
Classification: Uncertain significance for KMT2D-related condition. Last evaluated: 2025-11-21. Review status: criteria provided, single submitter. Criteria: ACMG Guidelines, 2015. Collection method: clinical testing. Allele origin: germline.
Comment: The KMT2D c.3509C>T variant is predicted to result in the amino acid substitution p.Pro1170Leu. To our knowledge, this variant has not been reported in the literature or in a large population database (gnomAD), indicating this variant is rare. At this time, the clinical significance of this variant is uncertain due to the absence of conclusive functional and genetic evidence.

Labcorp Genetics (formerly Invitae), Labcorp
Classification: Uncertain significance for Kabuki syndrome. Last evaluated: 2022-12-04. Review status: criteria provided, single submitter. Criteria: Invitae Variant Classification Sherloc (09022015). Collection method: clinical testing. Allele origin: germline.
Comment: In summary, the available evidence is currently insufficient to determine the role of this variant in disease. Therefore, it has been classified as a Variant of Uncertain Significance. Advanced modeling of protein sequence and biophysical properties (such as structural, functional, and spatial information, amino acid conservation, physicochemical variation, residue mobility, and thermodynamic stability) performed at Invitae indicates that this missense variant is not expected to disrupt KMT2D protein function. This variant has not been reported in the literature in individuals affected with KMT2D-related conditions. This variant is not present in population databases (gnomAD no frequency). This sequence change replaces proline, which is neutral and non-polar, with leucine, which is neutral and non-polar, at codon 1170 of the KMT2D protein (p.Pro1170Leu).